The following is an entry in ClinVar:

NM_182914.3(SYNE2):c.13918-3C>T

Gene: SYNE2 (spectrin repeat containing nuclear envelope protein 2; plus strand). Cytogenetic location: 14q23.2.
Variant type: single nucleotide variant.
Coding change: c.13918-3C>T on transcript NM_182914.3 (MANE Select); 3 bases into the intron before coding-DNA position 13918, C replaced by T.
Molecular consequence: intron variant.
Genome position (GRCh38, 1-based): chr14:64,128,449, C>T. VCF-style: chr14-64128449-C-T. GRCh37 (hg19) VCF-style: chr14-64595167-C-T.
Other names: c.13918-3C>T (NM_015180.6).
Identifiers: ClinVar variation 2812516 (VCV002812516.3), dbSNP rs1230454606, ClinGen allele CA614404531.

ClinVar aggregate classification (germline): Uncertain significance (1 of 4 stars; one submission).

Conditions:
Emery-Dreifuss muscular dystrophy 5, autosomal dominant (EDMD5). Also called: EMERY-DREIFUSS MUSCULAR DYSTROPHY 5. Identifiers: Orphanet 261, MedGen C2751805, MONDO:0013072, OMIM 612999.

gnomAD v4.1: 2 of 1,479,264 alleles (0.00014%); highest among the groups gnomAD compares: Non-Finnish European, 0.00019%; no homozygotes.

Submission:

Labcorp Genetics (formerly Invitae), Labcorp
Classification: Uncertain significance for Emery-Dreifuss muscular dystrophy 5, autosomal dominant. Last evaluated: 2023-10-28. Review status: criteria provided, single submitter. Criteria: Invitae Variant Classification Sherloc (09022015). Collection method: clinical testing. Allele origin: germline.
Comment: This sequence change falls in intron 73 of the SYNE2 gene. It does not directly change the encoded amino acid sequence of the SYNE2 protein. It affects a nucleotide within the consensus splice site. This variant is present in population databases (no rsID available, gnomAD 0.0009%). This variant has not been reported in the literature in individuals affected with SYNE2-related conditions. Variants that disrupt the consensus splice site are a relatively common cause of aberrant splicing (PMID: 17576681, 9536098). Algorithms developed to predict the effect of sequence changes on RNA splicing suggest that this variant may disrupt the consensus splice site. In summary, the available evidence is currently insufficient to determine the role of this variant in disease. Therefore, it has been classified as a Variant of Uncertain Significance.

Literature cited by the submitters: PubMed 17576681; PubMed 9536098.